The following is an entry in ClinVar:

NM_000719.7(CACNA1C):c.2339+20C>T

Gene: CACNA1C (calcium voltage-gated channel subunit alpha1 C; plus strand). Cytogenetic location: 12p13.33.
Variant type: single nucleotide variant.
Coding change: c.2339+20C>T on transcript NM_000719.7 (MANE Select); 20 bases into the intron after coding-DNA position 2339, C replaced by T.
Molecular consequence: intron variant.
Genome position (GRCh38, 1-based): chr12:2,584,637, C>T. VCF-style: chr12-2584637-C-T. GRCh37 (hg19) VCF-style: chr12-2693803-C-T.
Other names: c.2339+20C>T (NM_001167624.3, NM_001167623.2, NM_001167625.2 and 18 more transcripts); c.2330+20C>T (NM_001129844.2).
Identifiers: ClinVar variation 390213 (VCV000390213.1), dbSNP rs201164691, ClinGen allele CA16606504.

ClinVar aggregate classification (germline): Likely benign (1 of 4 stars; one submission).

Submission:

GeneDx
Classification: Likely benign. Last evaluated: 2016-10-24. Review status: criteria provided, single submitter. Criteria: GeneDx Variant Classification (06012015). Collection method: clinical testing. Allele origin: germline. Affected: yes.
Comment: This variant is considered likely benign or benign based on one or more of the following criteria: it is a conservative change, it occurs at a poorly conserved position in the protein, it is predicted to be benign by multiple in silico algorithms, and/or has population frequency not consistent with disease.